The following is an entry in ClinVar:

ClinVar aggregate classification (germline): Benign (1 of 4 stars; one submission).

Allele frequency attached by ClinVar (database versions not stated): gnomAD exomes 0.63558; gnomAD 0.68825 and 0.69027; TOPMed 0.69988; 1000 Genomes Project 0.77157; 1000 Genomes Project 30x 0.77280.
gnomAD v4.1: 354,150 of 543,640 alleles (65%); highest among the groups gnomAD compares: African/African-American, 85%; 118,035 homozygotes.

Submission:

GeneDx
Classification: Benign. Last evaluated: 2018-06-19. Review status: criteria provided, single submitter. Criteria: GeneDx Variant Classification (06012015). Collection method: clinical testing. Allele origin: germline. Affected: yes.
Comment: This variant is considered likely benign or benign based on one or more of the following criteria: it is a conservative change, it occurs at a poorly conserved position in the protein, it is predicted to be benign by multiple in silico algorithms, and/or has population frequency not consistent with disease.

NM_183050.4(BCKDHB):c.197-206A>G

Gene: BCKDHB (branched chain keto acid dehydrogenase E1 subunit beta; plus strand). Cytogenetic location: 6q14.1.
Variant type: single nucleotide variant.
Coding change: c.197-206A>G on transcript NM_183050.4 (MANE Select); 206 bases into the intron before coding-DNA position 197, A replaced by G.
Molecular consequence: intron variant.
Genome position (GRCh38, 1-based): chr6:80,127,341, A>G. VCF-style: chr6-80127341-A-G. GRCh37 (hg19) VCF-style: chr6-80837058-A-G.
Other names: c.-14-206A>G (NM_001318975.1); c.197-206A>G (NM_000056.5).
Identifiers: ClinVar variation 683382 (VCV000683382.1), dbSNP rs2505930, ClinGen allele CA15483045.